The following is an entry in ClinVar:

NM_001114753.3(ENG):c.919_920del (p.Asn307fs)

Gene: ENG (endoglin; minus strand). Cytogenetic location: 9q34.11.
Variant type: Deletion.
Coding change: c.919_920del on transcript NM_001114753.3 (MANE Select); coding-DNA positions 919 to 920, 2 bases deleted (AA; older notation c.919_920delAA).
Protein change: p.Asn307fs; shifts the reading frame from asparagine 307.
Molecular consequence: frameshift variant.
Genome position (GRCh38, 1-based): chr9:127,824,871-127,824,872, TT deleted on the plus strand (AA on the coding strand, the reverse complement: ENG is on the minus strand). VCF-style (leftmost placement, unchanged base first): chr9-127824870-ATT-A. GRCh37 (hg19) VCF-style: chr9-130587149-ATT-A.
Other names: c.919_920delAA, p.Asn307Cysfs (NM_000118.4, NM_001406715.1); c.373_374del, p.Asn125fs (NM_001278138.2); short protein forms N307fs, N125fs.
Identifiers: ClinVar variation 1766126 (VCV001766126.2), dbSNP rs2539072906, ClinGen allele CA2580079636.

ClinVar aggregate classification (germline): Pathogenic (1 of 4 stars; one submission).

Conditions:
Cardiovascular phenotype. Identifiers: MedGen CN230736.

Submission:

Ambry Genetics
Classification: Pathogenic for Cardiovascular phenotype. Last evaluated: 2022-02-14. Review status: criteria provided, single submitter. Criteria: Ambry Variant Classification Scheme 2023. Collection method: clinical testing. Allele origin: germline.
Comment: The c.919_920delAA pathogenic mutation, located in coding exon 7 of the ENG gene, results from a deletion of two nucleotides at nucleotide positions 919 to 920, causing a translational frameshift with a predicted alternate stop codon (p.N307Cfs*26). This variant (referred to as c.0919_920delAA, p.Asn307CysfsX350) has been detected in an individual with hereditary hemorrhagic telangiectasia (Richards-Yutz J et al. Hum Genet, 2010 Jul;128:61-77). This variant is considered to be rare based on population cohorts in the Genome Aggregation Database (gnomAD). In addition to the clinical data presented in the literature, this alteration is expected to result in loss of function by premature protein truncation or nonsense-mediated mRNA decay. As such, this alteration is interpreted as a disease-causing mutation.

Literature cited by the submitters: PubMed 20414677.